The following is an entry in ClinVar:

ClinVar aggregate classification (germline): Uncertain significance. Review status: criteria provided, multiple submitters, no conflicts (2 of 4 stars). 2 submissions from 2 submitters: Uncertain significance (2). Last evaluated 2025-06-03.

gnomAD v4.1: 4 of 1,612,344 alleles (0.00025%); highest among the groups gnomAD compares: Non-Finnish European, 0.00034%; no homozygotes.

Submissions (2):

Ambry Genetics
Classification: Uncertain significance. Last evaluated: 2025-06-03. Review status: criteria provided, single submitter. Criteria: Ambry Variant Classification Scheme 2023. Collection method: clinical testing. Allele origin: germline.

Labcorp Genetics (formerly Invitae), Labcorp
Classification: Uncertain significance. Last evaluated: 2024-02-19. Review status: criteria provided, single submitter. Criteria: Invitae Variant Classification Sherloc (09022015). Collection method: clinical testing. Allele origin: germline.
Comment: This sequence change replaces leucine, which is neutral and non-polar, with glutamine, which is neutral and polar, at codon 544 of the FCHO1 protein (p.Leu544Gln). This variant is present in population databases (no rsID available, gnomAD 0.0009%). This variant has not been reported in the literature in individuals affected with FCHO1-related conditions. An algorithm developed to predict the effect of missense changes on protein structure and function (PolyPhen-2) suggests that this variant is likely to be tolerated. In summary, the available evidence is currently insufficient to determine the role of this variant in disease. Therefore, it has been classified as a Variant of Uncertain Significance.

NM_015122.3(FCHO1):c.1631T>A (p.Leu544Gln)

Gene: FCHO1 (FCH and mu domain containing endocytic adaptor 1; plus strand). Cytogenetic location: 19p13.11.
Variant type: single nucleotide variant.
Coding change: c.1631T>A on transcript NM_015122.3 (MANE Select); coding-DNA position 1631, T replaced by A.
Protein change: p.Leu544Gln; replaces leucine 544 with glutamine.
Molecular consequence: missense variant. On other transcripts: non-coding transcript variant (36).
Genome position (GRCh38, 1-based): chr19:17,781,234, T>A. VCF-style: chr19-17781234-T-A. GRCh37 (hg19) VCF-style: chr19-17892043-T-A.
Other names: c.1514T>A, p.Leu505Gln (NM_001384394.1, NM_001384395.1, NM_001384392.1 and 1 more transcripts); c.1355T>A, p.Leu452Gln (NM_001384396.1, NM_001384397.1, NM_001384398.1 and 5 more transcripts); c.1310T>A, p.Leu437Gln (NM_001384403.1); c.1631T>A (NM_001161357.1); c.1631T>A, p.Leu544Gln (NM_001161357.2, NM_001161358.2, NM_001384370.1 and 13 more transcripts); c.1481T>A, p.Leu494Gln (NM_001161359.2, NM_001384384.1, NM_001384385.1 and 1 more transcripts); c.1592T>A, p.Leu531Gln (NM_001384388.1, NM_001384389.1, NM_001384405.1); c.1556T>A, p.Leu519Gln (NM_001384390.1); and 2 more; short protein forms L354Q, L437Q, L452Q, L402Q, L494Q, L519Q, L531Q, L544Q.
Identifiers: ClinVar variation 3642119 (VCV003642119.3).